The following is an entry in ClinVar:

ClinVar aggregate classification (germline): Likely pathogenic (1 of 4 stars; one submission).

Conditions:
Hereditary breast ovarian cancer syndrome. Also called: Hereditary breast and ovarian cancer syndrome; BRCA1- and BRCA2-Associated Hereditary Breast and Ovarian Cancer; Hereditary breast and ovarian cancer; Hereditary breast and ovarian cancer syndrome (HBOC); Breast and ovarian cancer; Hereditary breast and/or ovarian cancer syndrome. Identifiers: Orphanet 145, MedGen C0677776, MeSH D061325, MONDO:0003582. Disease mechanism: loss of function.

Submission:

Genetics and Personalized Medicine Clinic, Tartu University Hospital
Classification: Likely pathogenic for Hereditary breast ovarian cancer syndrome. Last evaluated: 2023-03-23. Review status: criteria provided, single submitter. Criteria: ACMG Guidelines, 2015. Collection method: clinical testing. Allele origin: germline. Affected: yes. Observed: 2 variant alleles.
Comment: This variant causes a deletion-insertion in exon 23 of the BRCA1 gene, resulting in a frameshift and premature stop codon. Frameshift mutations in BRCA1 disrupt the BRCT domain, which is essential for DNA repair, leading to loss of normal protein function. Loss-of-function is a well-established mechanism for BRCA1-related hereditary breast and ovarian cancer. Additionally, such variants are typically classified as pathogenic under ACMG guidelines (PVS1), given the strong evidence of deleterious impact.

NM_007294.4(BRCA1):c.5534_5539delinsGTCCTGCTGTCCTGGCACTG (p.Tyr1845fs)

Gene: BRCA1 (BRCA1 DNA repair associated; minus strand). Cytogenetic location: 17q21.31.
Variant type: Indel.
Coding change: c.5534_5539delinsGTCCTGCTGTCCTGGCACTG on transcript NM_007294.4 (MANE Select); coding-DNA positions 5534 to 5539, ACCAGT replaced by GTCCTGCTGTCCTGGCACTG.
Protein change: p.Tyr1845fs; shifts the reading frame from tyrosine 1845.
Molecular consequence: frameshift variant. On other transcripts: 3 prime UTR variant (17).
Genome position (GRCh38, 1-based): chr17:43,045,731-43,045,736, ACTGGT replaced by CAGTGCCAGGACAGCAGGAC on the plus strand (ACCAGT replaced by GTCCTGCTGTCCTGGCACTG on the coding strand, the reverse complement: BRCA1 is on the minus strand). VCF-style: chr17-43045731-ACTGGT-CAGTGCCAGGACAGCAGGAC. GRCh37 (hg19) VCF-style: chr17-41197748-ACTGGT-CAGTGCCAGGACAGCAGGAC.
Other names: c.5321_5326delinsGTCCTGCTGTCCTGGCACTG, p.Tyr1774fs (NM_001407571.1, NM_001407894.1, NM_001407895.1 and 12 more transcripts); c.5600_5605delinsGTCCTGCTGTCCTGGCACTG, p.Tyr1867fs (NM_001407581.1, NM_001407582.1); c.5597_5602delinsGTCCTGCTGTCCTGGCACTG, p.Tyr1866fs (NM_001407583.1, NM_001407585.1, NM_001407587.1 and 1 more transcripts); c.5594_5599delinsGTCCTGCTGTCCTGGCACTG, p.Tyr1865fs (NM_001407590.1, NM_001407591.1); c.5534_5539delinsGTCCTGCTGTCCTGGCACTG, p.Tyr1845fs (NM_001407593.1, NM_001407594.1, NM_001407596.1 and 5 more transcripts); c.5531_5536delinsGTCCTGCTGTCCTGGCACTG, p.Tyr1844fs (NM_001407610.1, NM_001407611.1, NM_001407612.1 and 14 more transcripts); c.5528_5533delinsGTCCTGCTGTCCTGGCACTG, p.Tyr1843fs (NM_001407627.1, NM_001407628.1, NM_001407629.1 and 13 more transcripts); c.5525_5530delinsGTCCTGCTGTCCTGGCACTG, p.Tyr1842fs (NM_001407644.1, NM_001407645.1); and 74 more; short protein forms Y1548fs, Y1549fs, Y1676fs, Y1691fs, Y1716fs, Y1717fs, Y1718fs, Y1732fs.
Identifiers: ClinVar variation 4526420 (VCV004526420.1).